The following is an entry in ClinVar:

NM_001127198.5(TMC6):c.2095C>T (p.Arg699Cys)

Gene: TMC6 (transmembrane channel like 6; minus strand). Cytogenetic location: 17q25.3.
Variant type: single nucleotide variant.
Coding change: c.2095C>T on transcript NM_001127198.5 (MANE Select); coding-DNA position 2095, C replaced by T.
Protein change: p.Arg699Cys; replaces arginine 699 with cysteine.
Molecular consequence: missense variant. On other transcripts: non-coding transcript variant (4).
Genome position (GRCh38, 1-based): chr17:78,117,571, G>A on the plus strand (C>T on the coding strand, the complement: TMC6 is on the minus strand). VCF-style: chr17-78117571-G-A. GRCh37 (hg19) VCF-style: chr17-76113652-G-A.
Other names: c.2095C>T, p.Arg699Cys (NM_001321185.1, NM_001374596.1, NM_001375353.1 and 2 more transcripts); c.1915C>T, p.Arg639Cys (NM_001374593.1, NM_001374594.1); short protein forms R699C, R639C.
Identifiers: ClinVar variation 2201191 (VCV002201191.4), dbSNP rs375980611, ClinGen allele CA8795432.

ClinVar aggregate classification (germline): Uncertain significance (1 of 4 stars; one submission).

Conditions:
Epidermodysplasia verruciformis. Identifiers: Orphanet 302, MedGen C0014522, MONDO:0009176.

Allele frequency attached by ClinVar (database versions not stated): ExAC 0.00016; ESP Exome Variant Server 0.00031.

Submission:

Labcorp Genetics (formerly Invitae), Labcorp
Classification: Uncertain significance for Epidermodysplasia verruciformis. Last evaluated: 2022-07-17. Review status: criteria provided, single submitter. Criteria: Invitae Variant Classification Sherloc (09022015). Collection method: clinical testing. Allele origin: germline.
Comment: Algorithms developed to predict the effect of missense changes on protein structure and function are either unavailable or do not agree on the potential impact of this missense change (SIFT: "Not Available"; PolyPhen-2: "Possibly Damaging"; Align-GVGD: "Not Available"). In summary, the available evidence is currently insufficient to determine the role of this variant in disease. Therefore, it has been classified as a Variant of Uncertain Significance. This variant has not been reported in the literature in individuals affected with TMC6-related conditions. This sequence change replaces arginine, which is basic and polar, with cysteine, which is neutral and slightly polar, at codon 699 of the TMC6 protein (p.Arg699Cys). The frequency data for this variant in the population databases is considered unreliable, as metrics indicate poor data quality at this position in the gnomAD database.